The following is an entry in ClinVar:

NM_001690.4(ATP6V1A):c.1087G>C (p.Gly363Arg)

Gene: ATP6V1A (ATPase H+ transporting V1 subunit A; plus strand). Cytogenetic location: 3q13.31.
Variant type: single nucleotide variant.
Coding change: c.1087G>C on transcript NM_001690.4 (MANE Select); coding-DNA position 1087, G replaced by C.
Protein change: p.Gly363Arg; replaces glycine 363 with arginine.
Molecular consequence: missense variant.
Genome position (GRCh38, 1-based): chr3:113,794,970, G>C. VCF-style: chr3-113794970-G-C. GRCh37 (hg19) VCF-style: chr3-113513817-G-C.
Other names: short protein forms G363R.
Identifiers: ClinVar variation 3603219 (VCV003603219.1).

ClinVar aggregate classification (germline): Uncertain significance (1 of 4 stars; one submission).

Submission:

GeneDx
Classification: Uncertain significance. Last evaluated: 2024-08-05. Review status: criteria provided, single submitter. Criteria: GeneDx Variant Classification Process June 2021. Collection method: clinical testing. Allele origin: germline. Affected: yes.
Comment: Not observed at significant frequency in large population cohorts (gnomAD); In silico analysis supports that this missense variant has a deleterious effect on protein structure/function; Has not been previously published as pathogenic or benign to our knowledge